The following is an entry in ClinVar:

NM_005094.4(SLC27A4):c.1628-1G>A

Gene: SLC27A4 (solute carrier family 27 member 4; plus strand). Cytogenetic location: 9q34.11.
Variant type: single nucleotide variant.
Coding change: c.1628-1G>A on transcript NM_005094.4 (MANE Select); the canonical splice acceptor site of the intron before coding-DNA position 1628, G replaced by A.
Molecular consequence: splice acceptor variant.
Genome position (GRCh38, 1-based): chr9:128,355,649, G>A. VCF-style: chr9-128355649-G-A. GRCh37 (hg19) VCF-style: chr9-131117928-G-A.
Identifiers: ClinVar variation 2750485 (VCV002750485.6), dbSNP rs1454874748, ClinGen allele CA375037018.

ClinVar aggregate classification (germline): Likely pathogenic. Review status: criteria provided, multiple submitters, no conflicts (2 of 4 stars). 3 submissions from 3 submitters: Likely pathogenic (3). Last evaluated 2025-04-18.

Conditions:
Ichthyosis prematurity syndrome (IPS). Also called: ICHTHYOSIS CONGENITA IV. Identifiers: Orphanet 88621, MedGen C1837610, MONDO:0012089, OMIM 608649.
Lamellar ichthyosis. Identifiers: Orphanet 313, MedGen C5848247, MONDO:0017778.

Allele frequency attached by ClinVar (database versions not stated): gnomAD exomes below 0.00001.
gnomAD v4.1: 2 of 1,610,046 alleles (0.00012%); highest among the groups gnomAD compares: East Asian, 0.0022%; no homozygotes.

Submissions (3):

Women's Health and Genetics/Laboratory Corporation of America, LabCorp
Classification: Likely pathogenic for Lamellar ichthyosis. Last evaluated: 2025-04-18. Review status: criteria provided, single submitter. Criteria: LabCorp Variant Classification Summary - May 2015. Collection method: clinical testing. Allele origin: germline.
Comment: Variant summary: SLC27A4 c.1628-1G>A is located in a canonical splice-site and is predicted to affect mRNA splicing resulting in a significantly altered protein due to either exon skipping, shortening, or inclusion of intronic material. Variants that disrupt the consensus splice site are a relatively common cause of aberrant splicing and loss of SLC27A4 function. Several computational tools predict a significant impact on normal splicing: Four predict the variant abolishes a 3' acceptor site. However, these predictions have yet to be confirmed by functional studies. The variant allele was found at a frequency of 1.2e-06 in 1610046 control chromosomes. To our knowledge, no occurrence of c.1628-1G>A in individuals affected with Lamellar Ichthyosis and no experimental evidence demonstrating its impact on protein function have been reported. ClinVar contains an entry for this variant (Variation ID: 2750485). Based on the evidence outlined above, the variant was classified as likely pathogenic.

Labcorp Genetics (formerly Invitae), Labcorp
Classification: Likely pathogenic. Last evaluated: 2023-11-17. Review status: criteria provided, single submitter. Criteria: Invitae Variant Classification Sherloc (09022015). Collection method: clinical testing. Allele origin: germline.
Comment: This sequence change affects an acceptor splice site in intron 11 of the SLC27A4 gene. It is expected to disrupt RNA splicing. Variants that disrupt the donor or acceptor splice site typically lead to a loss of protein function (PMID: 16199547), and loss-of-function variants in SLC27A4 are known to be pathogenic (PMID: 19631310, 21450060). This variant is present in population databases (no rsID available, gnomAD 0.005%). This variant has not been reported in the literature in individuals affected with SLC27A4-related conditions. Algorithms developed to predict the effect of sequence changes on RNA splicing suggest that this variant may disrupt the consensus splice site. In summary, the currently available evidence indicates that the variant is pathogenic, but additional data are needed to prove that conclusively. Therefore, this variant has been classified as Likely Pathogenic.

Molecular Genetics Department, Kulakov National Medical Research Center for Obstetrics, Gynecology and Perinatology
Classification: Likely pathogenic for Ichthyosis prematurity syndrome. Review status: criteria provided, single submitter. Criteria: ACMG Guidelines, 2015. Collection method: clinical testing. Allele origin: paternal. Affected: yes.
Comment: A previously undescribed nucleotide variant creates an alteration of the canonical splice site c.1628-1G>A in the SLC27A4 gene. Homozygous and compound heterozygous variants are reported in patients with Ichthyosis prematurity syndrome, 608649. The variant is present in gnomAD population database at low frequency (1/248182 chromosomes). In summary, the currently available evidence indicates that the variant is pathogenic, but additional data are needed to prove that conclusively. Therefore, this variant has been classified as likely pathogenic.

Literature cited by the submitters: PubMed 16199547 (cited by Labcorp Genetics (formerly Invitae), Labcorp); PubMed 19631310 (cited by Labcorp Genetics (formerly Invitae), Labcorp); PubMed 21450060 (cited by Labcorp Genetics (formerly Invitae), Labcorp).